The following is an entry in ClinVar:

NM_000096.4(CP):c.1036+15C>T

Gene: CP (ceruloplasmin; minus strand). Cytogenetic location: 3q25.1.
Variant type: single nucleotide variant.
Coding change: c.1036+15C>T on transcript NM_000096.4 (MANE Select); 15 bases into the intron after coding-DNA position 1036, C replaced by T.
Molecular consequence: intron variant.
Genome position (GRCh38, 1-based): chr3:149,207,348, G>A on the plus strand (C>T on the coding strand, the complement: CP is on the minus strand). VCF-style: chr3-149207348-G-A. GRCh37 (hg19) VCF-style: chr3-148925135-G-A.
Identifiers: ClinVar variation 2133632 (VCV002133632.6), dbSNP rs2472844885, ClinGen allele CA2580068919.

ClinVar aggregate classification (germline): Conflicting classifications of pathogenicity. Review status: criteria provided, conflicting classifications (1 of 4 stars). 2 submissions from 2 submitters: Uncertain significance (1); Likely benign (1). Last evaluated 2022-07-12.

Conditions:
Deficiency of ferroxidase (ACEP). Also called: Aceruloplasminemia; Ceruloplasmin deficiency; Familial apoceruloplasmin deficiency; Hereditary ceruloplasmin deficiency; Deficiency of ceruloplasmin; NEURODEGENERATION WITH BRAIN IRON ACCUMULATION 10. Identifiers: Orphanet 48818, MedGen C0878682, MONDO:0011426, OMIM 604290, HP:0025498.

Allele frequency attached by ClinVar (database versions not stated): gnomAD exomes below 0.00001.
gnomAD v4.1: 1 of 1,613,706 alleles (0.000062%); highest among the groups gnomAD compares: Non-Finnish European, 0.000085%; no homozygotes.

Submissions (2):

Laboratorio de Genetica e Diagnostico Molecular, Hospital Israelita Albert Einstein
Classification: Uncertain significance for Deficiency of ferroxidase. Last evaluated: 2022-07-12. Review status: criteria provided, single submitter. Criteria: ACMG Guidelines, 2015. Collection method: clinical testing. Allele origin: germline. Affected: yes.
Comment: ACMG classification criteria: PM2 moderated

Labcorp Genetics (formerly Invitae), Labcorp
Classification: Likely benign for Deficiency of ferroxidase. Last evaluated: 2022-05-05. Review status: criteria provided, single submitter. Criteria: Invitae Variant Classification Sherloc (09022015). Collection method: clinical testing. Allele origin: germline.